The following is an entry in ClinVar:

ClinVar aggregate classification (germline): Likely benign. Review status: criteria provided, multiple submitters, no conflicts (2 of 4 stars). 2 submissions from 2 submitters: Likely benign (2). Last evaluated 2026-01-26.

Allele frequency attached by ClinVar (database versions not stated): gnomAD 0.00007; gnomAD exomes 0.00007 and 0.00002; ExAC 0.00014; TOPMed 0.00016.
gnomAD v4.1: 35 of 1,585,528 alleles (0.0022%); highest among the groups gnomAD compares: Admixed American, 0.031%; no homozygotes.

Submissions (2):

Labcorp Genetics (formerly Invitae), Labcorp
Classification: Likely benign. Last evaluated: 2026-01-26. Review status: criteria provided, single submitter. Criteria: Invitae Variant Classification Sherloc (09022015). Collection method: clinical testing. Allele origin: germline.

CeGaT Center for Human Genetics Tuebingen
Classification: Likely benign. Last evaluated: 2025-06-01. Review status: criteria provided, single submitter. Criteria: CeGaT Center For Human Genetics Tuebingen Variant Classification Criteria Version 2. Collection method: clinical testing. Allele origin: germline. Affected: yes. Observed: 1 variant allele.
Comment: NDUFS6: BP4, BP7

NM_004553.6(NDUFS6):c.129C>T (p.Gly43=)

Gene: NDUFS6 (NADH:ubiquinone oxidoreductase subunit S6; plus strand). Cytogenetic location: 5p15.33.
Variant type: single nucleotide variant.
Coding change: c.129C>T on transcript NM_004553.6 (MANE Select); coding-DNA position 129, C replaced by T.
Protein change: p.Gly43=; no amino-acid change (glycine 43 retained).
Molecular consequence: synonymous variant.
Genome position (GRCh38, 1-based): chr5:1,801,546, C>T. VCF-style: chr5-1801546-C-T. GRCh37 (hg19) VCF-style: chr5-1801660-C-T.
Identifiers: ClinVar variation 1110597 (VCV001110597.17), dbSNP rs753615837, ClinGen allele CA3187563.